The following is an entry in ClinVar:

ClinVar aggregate classification (germline): Uncertain significance (1 of 4 stars; one submission).

Conditions:
Leber congenital amaurosis 6 (LCA6). Identifiers: Orphanet 65, MedGen C1854260, MONDO:0013446, OMIM 613826.
Cone-rod dystrophy 13 (CORD13). Identifiers: Orphanet 1872, MedGen C2750720, MONDO:0011987, OMIM 608194.

Submission:

Labcorp Genetics (formerly Invitae), Labcorp
Classification: Uncertain significance for Leber congenital amaurosis 6; Cone-rod dystrophy 13. Last evaluated: 2022-01-27. Review status: criteria provided, single submitter. Criteria: Invitae Variant Classification Sherloc (09022015). Collection method: clinical testing. Allele origin: germline.
Comment: This sequence change replaces serine, which is neutral and polar, with proline, which is neutral and non-polar, at codon 871 of the RPGRIP1 protein (p.Ser871Pro). This variant is present in population databases (no rsID available, gnomAD 0.0009%). This variant has not been reported in the literature in individuals affected with RPGRIP1-related conditions. Algorithms developed to predict the effect of missense changes on protein structure and function output the following: SIFT: "Tolerated"; PolyPhen-2: "Benign"; Align-GVGD: "Class C0". The proline amino acid residue is found in multiple mammalian species, which suggests that this missense change does not adversely affect protein function. In summary, the available evidence is currently insufficient to determine the role of this variant in disease. Therefore, it has been classified as a Variant of Uncertain Significance.

NM_020366.4(RPGRIP1):c.2611T>C (p.Ser871Pro)

Gene: RPGRIP1 (RPGR interacting protein 1; plus strand). Cytogenetic location: 14q11.2.
Variant type: single nucleotide variant.
Coding change: c.2611T>C on transcript NM_020366.4 (MANE Select); coding-DNA position 2611, T replaced by C.
Protein change: p.Ser871Pro; replaces serine 871 with proline.
Molecular consequence: missense variant. On other transcripts: intron variant (4).
Genome position (GRCh38, 1-based): chr14:21,326,074, T>C. VCF-style: chr14-21326074-T-C. GRCh37 (hg19) VCF-style: chr14-21794233-T-C.
Other names: c.1537T>C, p.Ser513Pro (NM_001377948.1); c.796+1349T>C (NM_001377949.1); c.689-1549T>C (NM_001377523.1, NM_001377950.1); c.191-1549T>C (NM_001377951.1); short protein forms S871P, S513P.
Identifiers: ClinVar variation 2090196 (VCV002090196.4), dbSNP rs1487698817, ClinGen allele CA388869447.